The following is an entry in ClinVar:

NM_024656.4(COLGALT1):c.1394+8G>A

Gene: COLGALT1 (collagen beta(1-O)galactosyltransferase 1; plus strand). Cytogenetic location: 19p13.11.
Variant type: single nucleotide variant.
Coding change: c.1394+8G>A on transcript NM_024656.4 (MANE Select); 8 bases into the intron after coding-DNA position 1394, G replaced by A.
Molecular consequence: intron variant.
Genome position (GRCh38, 1-based): chr19:17,579,617, G>A. VCF-style: chr19-17579617-G-A. GRCh37 (hg19) VCF-style: chr19-17690426-G-A.
Other names: c.1394+8G>A (NM_024656.3).
Identifiers: ClinVar variation 2701370 (VCV002701370.5), dbSNP rs374671467, ClinGen allele CA9297282.
Genomic context (GRCh38, chr19:17,579,617, plus strand): 5'-CTGATGAACCTCATGCGGGATGTGGAGCGGGAGGGCCTGGACTGGGACCTCATGTGAGTG[G>A]GGGTCTGAGGATGGGGTGAAGCTGGGGCCTGGGGCAAGGCCAGGACTTAGAGGTGGGGGT-3'

ClinVar aggregate classification (germline): Likely benign. Review status: criteria provided, single submitter (1 of 4 stars). 2 submissions from 2 submitters: Likely benign (1). 1 of the submissions does not count toward it. Last evaluated 2025-08-15.

Conditions:
COLGALT1-related disorder. Also called: COLGALT1-related condition.

Allele frequency attached by ClinVar (database versions not stated): ESP Exome Variant Server 0.00015.
gnomAD v4.1: 424 of 1,612,084 alleles (0.026%); highest among the groups gnomAD compares: Non-Finnish European, 0.033%; no homozygotes.

Submissions (2):

Labcorp Genetics (formerly Invitae), Labcorp
Classification: Likely benign. Last evaluated: 2025-08-15. Review status: criteria provided, single submitter. Criteria: Invitae Variant Classification Sherloc (09022015). Collection method: clinical testing. Allele origin: germline.

PreventionGenetics, part of Exact Sciences
Classification: Likely benign for COLGALT1-related condition. Last evaluated: 2019-06-11. Review status: no assertion criteria provided. Collection method: clinical testing. Allele origin: germline. Not counted in ClinVar's aggregate classification.
Comment: This variant is classified as likely benign based on ACMG/AMP sequence variant interpretation guidelines (Richards et al. 2015 PMID: 25741868, with internal and published modifications).